The following is an entry in ClinVar:

ClinVar aggregate classification (germline): Uncertain significance (1 of 4 stars; one submission).

Allele frequency attached by ClinVar (database versions not stated): TOPMed below 0.00001; gnomAD 0.00001.
gnomAD v4.1: 1 of 152,184 alleles (0.00066%); highest among the groups gnomAD compares: Non-Finnish European, 0.0015%; no homozygotes.

Submission:

Labcorp Genetics (formerly Invitae), Labcorp
Classification: Uncertain significance. Last evaluated: 2022-07-06. Review status: criteria provided, single submitter. Criteria: Invitae Variant Classification Sherloc (09022015). Collection method: clinical testing. Allele origin: germline.
Comment: This variant occurs in a non-coding region of the EYS gene. It does not change the encoded amino acid sequence of the EYS protein. This variant is not present in population databases (gnomAD no frequency). This variant has not been reported in the literature in individuals affected with EYS-related conditions. In summary, the available evidence is currently insufficient to determine the role of this variant in disease. Therefore, it has been classified as a Variant of Uncertain Significance.

NM_001142800.2(EYS):c.-490A>G

Gene: EYS (eyes shut homolog; minus strand). Cytogenetic location: 6q12.
Variant type: single nucleotide variant.
Coding change: c.-490A>G on transcript NM_001142800.2 (MANE Select); 490 bases upstream of the start codon, A replaced by G.
Molecular consequence: 5 prime UTR variant.
Genome position (GRCh38, 1-based): chr6:65,707,177, T>C on the plus strand (A>G on the coding strand, the complement: EYS is on the minus strand). VCF-style: chr6-65707177-T-C. GRCh37 (hg19) VCF-style: chr6-66417070-T-C.
Other names: c.-490A>G (NM_001142801.2, NM_001292009.2).
Identifiers: ClinVar variation 1932339 (VCV001932339.2), dbSNP rs1769910619, ClinGen allele CA1089938927.